The following is an entry in ClinVar:

NM_015122.3(FCHO1):c.455G>A (p.Arg152Gln)

Gene: FCHO1 (FCH and mu domain containing endocytic adaptor 1; plus strand). Cytogenetic location: 19p13.11.
Variant type: single nucleotide variant.
Coding change: c.455G>A on transcript NM_015122.3 (MANE Select); coding-DNA position 455, G replaced by A.
Protein change: p.Arg152Gln; replaces arginine 152 with glutamine.
Molecular consequence: missense variant. On other transcripts: non-coding transcript variant (36).
Genome position (GRCh38, 1-based): chr19:17,770,543, G>A. VCF-style: chr19-17770543-G-A. GRCh37 (hg19) VCF-style: chr19-17881352-G-A.
Other names: c.455G>A, p.Arg152Gln (NM_001161357.2, NM_001161358.2, NM_001384370.1 and 26 more transcripts); c.305G>A, p.Arg102Gln (NM_001161359.2, NM_001384384.1, NM_001384385.1 and 3 more transcripts); c.416G>A, p.Arg139Gln (NM_001384388.1, NM_001384389.1, NM_001384405.1); c.380G>A, p.Arg127Gln (NM_001384390.1); short protein forms R127Q, R152Q, R102Q, R139Q.
Identifiers: ClinVar variation 1954863 (VCV001954863.4), dbSNP rs770292906, ClinGen allele CA9300094.

ClinVar aggregate classification (germline): Uncertain significance (1 of 4 stars; one submission).

Allele frequency attached by ClinVar (database versions not stated): gnomAD exomes below 0.00001; gnomAD 0.00001; TOPMed 0.00001; ExAC 0.00002.
gnomAD v4.1: 7 of 1,613,436 alleles (0.00043%); highest among the groups gnomAD compares: African/African-American, 0.0013%; no homozygotes.

Submission:

Labcorp Genetics (formerly Invitae), Labcorp
Classification: Uncertain significance. Last evaluated: 2025-11-12. Review status: criteria provided, single submitter. Criteria: Invitae Variant Classification Sherloc (09022015). Collection method: clinical testing. Allele origin: germline.
Comment: This sequence change replaces arginine, which is basic and polar, with glutamine, which is neutral and polar, at codon 152 of the FCHO1 protein (p.Arg152Gln). This variant is present in population databases (rs770292906, gnomAD 0.003%). This variant has not been reported in the literature in individuals affected with FCHO1-related conditions. ClinVar contains an entry for this variant (Variation ID: 1954863). An algorithm developed to predict the effect of missense changes on protein structure and function (PolyPhen-2) suggests that this variant is likely to be disruptive. In summary, the available evidence is currently insufficient to determine the role of this variant in disease. Therefore, it has been classified as a Variant of Uncertain Significance.